The following is an entry in ClinVar:

NM_012200.4(B3GAT3):c.331G>A (p.Val111Met)

Gene: B3GAT3 (beta-1,3-glucuronyltransferase 3; minus strand). Cytogenetic location: 11q12.3.
Variant type: single nucleotide variant.
Coding change: c.331G>A on transcript NM_012200.4 (MANE Select); coding-DNA position 331, G replaced by A.
Protein change: p.Val111Met; replaces valine 111 with methionine.
Molecular consequence: missense variant. On other transcripts: non-coding transcript variant (1).
Genome position (GRCh38, 1-based): chr11:62,617,274, C>T on the plus strand (G>A on the coding strand, the complement: B3GAT3 is on the minus strand). VCF-style: chr11-62617274-C-T. GRCh37 (hg19) VCF-style: chr11-62384746-C-T.
Other names: c.310G>A, p.Val104Met (NM_001288721.2); c.331G>A, p.Val111Met (NM_001288722.2, NM_001288723.2); short protein forms V111M, V104M.
Identifiers: ClinVar variation 427040 (VCV000427040.2), dbSNP rs1085307917, ClinGen allele CA380977210.
Genomic context (GRCh38, chr11:62,617,274, plus strand): 5'-GGAGGCCAGAGGCAGCCAGCAGCCCTGAGACCAGCGGGGTGGGACCCTCAGCATCCTCCA[C>T]CAGCAGCCAATGCAGCCGGGGCACCAGGCTCAGTGTCTGGGACAGTCGTACCAGCTCTGC-3'
Protein context (NP_036332.2, residues 101-121): SLVPRLHWLL[Val111Met]EDAEGPTPLV

ClinVar aggregate classification (germline): Likely pathogenic (1 of 4 stars; one submission).

Allele frequency attached by ClinVar (database versions not stated): gnomAD exomes below 0.00001.
gnomAD v4.1: 4 of 1,613,216 alleles (0.00025%); highest among the groups gnomAD compares: Non-Finnish European, 0.00025%; no homozygotes.

Submission:

GeneDx
Classification: Likely pathogenic. Last evaluated: 2015-07-29. Review status: criteria provided, single submitter. Criteria: GeneDx Variant Classification (06012015). Collection method: clinical testing. Allele origin: germline. Affected: yes.
Comment: The V111M variant in the B3GAT3 gene has not been published as a pathogenic variant, nor has it been reported as a benign polymorphism to our knowledge. The V111M variant was not observed in approximately 6400 individuals of European and African American ancestry in the NHLBI Exome Sequencing Project, indicating it is not a common benign variant in these populations. The V111M variant is a conservative amino acid substitution, which occurs in the lumenal topological domain at a position that is conserved across species. In silico analysis predicts this variant is probably damaging to the protein structure/function. The V111M variant is a strong candidate for a disease-causing variant, however the possibility it may be a rare benign variant cannot be excluded.